The following is an entry in ClinVar:

ClinVar aggregate classification (germline): Likely pathogenic. Review status: criteria provided, multiple submitters, no conflicts (2 of 4 stars). 2 submissions from 2 submitters: Likely pathogenic (2). Last evaluated 2025-02-24.

Conditions:
Dilated cardiomyopathy 1G (CMD1G). Identifiers: Orphanet 154, MedGen C1858763, MONDO:0011400, OMIM 604145.
Autosomal recessive limb-girdle muscular dystrophy type 2J (LGMDR10). Also called: Limb-girdle muscular dystrophy, type 2J; MUSCULAR DYSTROPHY, LIMB-GIRDLE, AUTOSOMAL RECESSIVE 10. Identifiers: Orphanet 140922, MedGen C1837342, MONDO:0012127, OMIM 608807.

Submissions (2):

3billion
Classification: Likely pathogenic for Dilated cardiomyopathy 1G. Last evaluated: 2025-02-24. Review status: criteria provided, single submitter. Criteria: ACMG Guidelines, 2015. Collection method: clinical testing. Allele origin: germline. Affected: yes.
Comment: The variant is not observed in the gnomAD v4.1.0 dataset. Predicted Consequence/Location: Frameshift: predicted to result in a loss or disruption of normal protein function through nonsense-mediated decay (NMD) or protein truncation. Multiple pathogenic variants are reported downstream of the variant. Therefore, this variant is classified as Likely pathogenic according to the recommendation of ACMG/AMP guideline.

Labcorp Genetics (formerly Invitae), Labcorp
Classification: Likely pathogenic for Dilated cardiomyopathy 1G; Autosomal recessive limb-girdle muscular dystrophy type 2J. Last evaluated: 2024-02-03. Review status: criteria provided, single submitter. Criteria: Invitae Variant Classification Sherloc (09022015). Collection method: clinical testing. Allele origin: germline.
Comment: This sequence change creates a premature translational stop signal (p.Met27902Asnfs*4) in the TTN gene. While this is not anticipated to result in nonsense mediated decay, it is expected to create a truncated TTN protein. This variant is not present in population databases (gnomAD no frequency). This variant has not been reported in the literature in individuals affected with TTN-related conditions. This variant is located in the A band of TTN (PMID: 25589632). Truncating variants in this region are significantly overrepresented in patients affected with dilated cardiomyopathy (PMID: 25589632). Truncating variants in this region have also been reported in individuals affected with autosomal recessive centronuclear myopathy (PMID: 23975875). In summary, the currently available evidence indicates that the variant is pathogenic, but additional data are needed to prove that conclusively. Therefore, this variant has been classified as Likely Pathogenic.

Literature cited by the submitters: PubMed 25589632 (cited by Labcorp Genetics (formerly Invitae), Labcorp); PubMed 23975875 (cited by Labcorp Genetics (formerly Invitae), Labcorp).

NM_001267550.2(TTN):c.83704dup (p.Met27902fs)

Genes: TTN-AS1 (TTN antisense RNA 1; plus strand), TTN (titin; minus strand). Cytogenetic location: 2q31.2.
Variant type: Duplication.
Coding change: c.83704dup on transcript NM_001267550.2 (MANE Select); coding-DNA position 83704, one base duplicated (A; older notation c.83704dupA).
Protein change: p.Met27902fs; shifts the reading frame from methionine 27902.
Molecular consequence: frameshift variant.
Genome position (GRCh38, 1-based): chr2:178,562,428, T duplicated on the plus strand (A on the coding strand, the reverse complement: TTN is on the minus strand); the first of 3 consecutive T bases (chr2:178,562,428-178,562,430); duplicating any one gives the same sequence. VCF-style (leftmost placement, unchanged base first): chr2-178562427-A-AT. GRCh37 (hg19) VCF-style: chr2-179427154-A-AT.
Other names: c.78781dup, p.Met26261fs (NM_001256850.1); c.56509dup, p.Met18837fs (NM_003319.4); c.76000dup, p.Met25334fs (NM_133378.4); c.56884dup, p.Met18962fs (NM_133432.3); c.57085dup, p.Met19029fs (NM_133437.4); short protein forms M18837fs, M18962fs, M19029fs, M25334fs, M26261fs, M27902fs.
Identifiers: ClinVar variation 3754390 (VCV003754390.3).